The following is an entry in ClinVar:

NM_000048.4(ASL):c.577C>T (p.Arg193Trp)

Gene: ASL (argininosuccinate lyase; plus strand). Cytogenetic location: 7q11.21.
Variant type: single nucleotide variant.
Coding change: c.577C>T on transcript NM_000048.4 (MANE Select); coding-DNA position 577, C replaced by T.
Protein change: p.Arg193Trp; replaces arginine 193 with tryptophan.
Molecular consequence: missense variant. On other transcripts: intron variant (1).
Genome position (GRCh38, 1-based): chr7:66,086,796, C>T. VCF-style: chr7-66086796-C-T. GRCh37 (hg19) VCF-style: chr7-65551783-C-T.
Other names: c.577C>T, p.Arg193Trp (NM_001024943.2, NM_001024944.2); c.524+134C>T (NM_001024946.2); c.577C>T (NM_000048.3); short protein forms R193W.
Identifiers: ClinVar variation 553200 (VCV000553200.17), dbSNP rs1428029508, ClinGen allele CA367642681.

ClinVar aggregate classification (germline): Pathogenic/Likely pathogenic. Review status: criteria provided, multiple submitters, no conflicts (2 of 4 stars). 4 submissions from 4 submitters: Pathogenic (2); Likely pathogenic (1). 1 of the submissions does not count toward it. Last evaluated 2025-06-13.

Conditions:
Argininosuccinate lyase deficiency. Also called: ARGININOSUCCINIC ACID LYASE DEFICIENCY; ASL DEFICIENCY; Argininosuccinic aciduria. Identifiers: Orphanet 23, MedGen C0268547, MONDO:0008815, OMIM 207900, HP:0025630.

Allele frequency attached by ClinVar (database versions not stated): TOPMed 0.00001; gnomAD 0.00003.

Submissions (4):

Natera, Inc.
Classification: Pathogenic for Argininosuccinate lyase deficiency. Last evaluated: 2025-06-13. Review status: criteria provided, single submitter. Criteria: Natera Variant Classification Schema (03/2026). Collection method: clinical testing. Allele origin: germline.
Comment: The c.577C>T variant in ASL is a missense variant predicted to cause substitution of arginine to tryptophan at amino acid 193. This variant is rare in the general population with a frequency below the threshold expected for the associated phenotype(s). This variant has been observed in one or more individuals affected with the associated recessive disease, as either homozygous or compound heterozygous with a second variant (PMID: 24166829). Functional studies show that this variant may disrupt protein function (PMID: 25778938). A different variant at the same position has been determined to be Pathogenic or Likely Pathogenic. Computational prediction algorithms indicate this variant is likely to affect gene or protein function. Given the available evidence, this variant is classified as Pathogenic.

Baylor Genetics
Classification: Likely pathogenic for Argininosuccinate lyase deficiency. Last evaluated: 2023-12-31. Review status: criteria provided, single submitter. Criteria: ACMG Guidelines, 2015. Collection method: clinical testing. Allele origin: unknown.

Labcorp Genetics (formerly Invitae), Labcorp
Classification: Pathogenic for Argininosuccinate lyase deficiency. Last evaluated: 2023-07-25. Review status: criteria provided, single submitter. Criteria: Invitae Variant Classification Sherloc (09022015). Collection method: clinical testing. Allele origin: germline.
Comment: For these reasons, this variant has been classified as Pathogenic. This variant disrupts the p.Arg193 amino acid residue in ASL. Other variant(s) that disrupt this residue have been determined to be pathogenic (PMID: 1705937, 12408190, 24166829, 25778938). This suggests that this residue is clinically significant, and that variants that disrupt this residue are likely to be disease-causing. Experimental studies have shown that this missense change affects ASL function (PMID: 25778938). Advanced modeling of protein sequence and biophysical properties (such as structural, functional, and spatial information, amino acid conservation, physicochemical variation, residue mobility, and thermodynamic stability) performed at Invitae indicates that this missense variant is expected to disrupt ASL protein function. ClinVar contains an entry for this variant (Variation ID: 553200). This missense change has been observed in individuals with argininosuccinate lyase deficiency (PMID: 24166829). This variant is present in population databases (no rsID available, gnomAD 0.007%). This sequence change replaces arginine, which is basic and polar, with tryptophan, which is neutral and slightly polar, at codon 193 of the ASL protein (p.Arg193Trp).

Counsyl
Classification: Uncertain significance for Argininosuccinate lyase deficiency. Last evaluated: 2017-08-07. Review status: no assertion criteria provided. Collection method: clinical testing. Allele origin: unknown. Not counted in ClinVar's aggregate classification.

Literature cited by the submitters: PubMed 24166829 (cited by 3 submitters); PubMed 25778938 (cited by 3 submitters); PubMed 1705937 (cited by Labcorp Genetics (formerly Invitae), Labcorp); PubMed 12408190 (cited by Labcorp Genetics (formerly Invitae), Labcorp).